The following is an entry in ClinVar:

NM_004380.3(CREBBP):c.479G>C (p.Gly160Ala)

Gene: CREBBP (CREB binding lysine acetyltransferase; minus strand). Cytogenetic location: 16p13.3.
Variant type: single nucleotide variant.
Coding change: c.479G>C on transcript NM_004380.3 (MANE Select); coding-DNA position 479, G replaced by C.
Protein change: p.Gly160Ala; replaces glycine 160 with alanine.
Molecular consequence: missense variant.
Genome position (GRCh38, 1-based): chr16:3,850,616, C>G on the plus strand (G>C on the coding strand, the complement: CREBBP is on the minus strand). VCF-style: chr16-3850616-C-G. GRCh37 (hg19) VCF-style: chr16-3900617-C-G.
Other names: c.479G>C, p.Gly160Ala (NM_001079846.1); short protein forms G160A.
Identifiers: ClinVar variation 4810243 (VCV004810243.1).

ClinVar aggregate classification (germline): Uncertain significance (1 of 4 stars; one submission).

Conditions:
Rubinstein-Taybi syndrome (RSTS). Identifiers: Orphanet 783, MedGen C0035934, MONDO:0019188.

Submission:

Labcorp Genetics (formerly Invitae), Labcorp
Classification: Uncertain significance for Rubinstein-Taybi syndrome. Last evaluated: 2025-08-18. Review status: criteria provided, single submitter. Criteria: Invitae Variant Classification Sherloc (09022015). Collection method: clinical testing. Allele origin: germline.
Comment: This sequence change replaces glycine, which is neutral and non-polar, with alanine, which is neutral and non-polar, at codon 160 of the CREBBP protein (p.Gly160Ala). This variant is not present in population databases (gnomAD no frequency). This variant has not been reported in the literature in individuals affected with CREBBP-related conditions. Invitae Evidence Modeling of protein sequence and biophysical properties (such as structural, functional, and spatial information, amino acid conservation, physicochemical variation, residue mobility, and thermodynamic stability) indicates that this missense variant is not expected to disrupt CREBBP protein function with a negative predictive value of 95%. In summary, the available evidence is currently insufficient to determine the role of this variant in disease. Therefore, it has been classified as a Variant of Uncertain Significance.